The following is an entry in ClinVar:

ClinVar aggregate classification (germline): Uncertain significance. Review status: criteria provided, multiple submitters, no conflicts (2 of 4 stars). 2 submissions from 2 submitters: Uncertain significance (2). Last evaluated 2026-01-21.

Conditions:
RASopathy. Also called: rasopathies; Noonan spectrum disorder. Identifiers: Orphanet 536391, MedGen C5555857, MONDO:0021060.

Allele frequency attached by ClinVar (database versions not stated): gnomAD 0.00002 and 0.00003; TOPMed 0.00002; gnomAD exomes 0.00003 and 0.00004; ExAC 0.00004.
gnomAD v4.1: 45 of 1,614,006 alleles (0.0028%); highest among the groups gnomAD compares: East Asian, 0.0067%; no homozygotes.

Submissions (2):

Labcorp Genetics (formerly Invitae), Labcorp
Classification: Uncertain significance for RASopathy. Last evaluated: 2026-01-21. Review status: criteria provided, single submitter. Criteria: Invitae Variant Classification Sherloc (09022015). Collection method: clinical testing. Allele origin: germline.
Comment: This sequence change replaces arginine, which is basic and polar, with tryptophan, which is neutral and slightly polar, at codon 318 of the RAF1 protein (p.Arg318Trp). This variant is present in population databases (rs759433668, gnomAD 0.03%). This variant has not been reported in the literature in individuals affected with RAF1-related conditions. ClinVar contains an entry for this variant (Variation ID: 656209). Invitae Evidence Modeling incorporating data from in vitro experimental studies (internal data) indicates that this missense variant is not expected to disrupt RAF1 function with a negative predictive value of 80%. In summary, the available evidence is currently insufficient to determine the role of this variant in disease. Therefore, it has been classified as a Variant of Uncertain Significance.

Women's Health and Genetics/Laboratory Corporation of America, LabCorp
Classification: Uncertain significance. Last evaluated: 2020-11-16. Review status: criteria provided, single submitter. Criteria: LabCorp Variant Classification Summary - May 2015. Collection method: clinical testing. Allele origin: germline.
Comment: Variant summary: RAF1 c.952C>T (p.Arg318Trp) results in a non-conservative amino acid change in the encoded protein sequence. Three of five in-silico tools predict a damaging effect of the variant on protein function. The variant allele was found at a frequency of 3.6e-05 in 251342 control chromosomes. The available data on variant occurrences in the general population are insufficient to allow any conclusion about variant significance. To our knowledge, no occurrence of c.952C>T in individuals affected with Noonan Syndrome and no experimental evidence demonstrating its impact on protein function have been reported. One clinical diagnostic laboratory has submitted clinical-significance assessments for this variant to ClinVar after 2014 without evidence for independent evaluation and classified the variant as uncertain significance. Based on the evidence outlined above, the variant was classified as uncertain significance.

NM_002880.4(RAF1):c.952C>T (p.Arg318Trp)

Gene: RAF1 (Raf-1 proto-oncogene, serine/threonine kinase; minus strand). Cytogenetic location: 3p25.2.
Variant type: single nucleotide variant.
Coding change: c.952C>T on transcript NM_002880.4 (MANE Select); coding-DNA position 952, C replaced by T.
Protein change: p.Arg318Trp; replaces arginine 318 with tryptophan.
Molecular consequence: missense variant. On other transcripts: non-coding transcript variant (3).
Genome position (GRCh38, 1-based): chr3:12,600,190, G>A on the plus strand (C>T on the coding strand, the complement: RAF1 is on the minus strand). VCF-style: chr3-12600190-G-A. GRCh37 (hg19) VCF-style: chr3-12641689-G-A.
Other names: c.1012C>T, p.Arg338Trp (NM_001354689.3); c.952C>T, p.Arg318Trp (NM_001354690.3); c.709C>T, p.Arg237Trp (NM_001354691.3, NM_001354692.3); c.853C>T, p.Arg285Trp (NM_001354693.3); c.769C>T, p.Arg257Trp (NM_001354694.3); c.610C>T, p.Arg204Trp (NM_001354695.3); short protein forms R237W, R318W, R338W, R204W, R257W, R285W.
Identifiers: ClinVar variation 656209 (VCV000656209.7), dbSNP rs759433668, ClinGen allele CA2259623.